The following is an entry in ClinVar:

ClinVar aggregate classification (germline): Likely benign. Review status: criteria provided, single submitter (1 of 4 stars). 2 submissions from 2 submitters: Likely benign (1). 1 of the submissions does not count toward it. Last evaluated 2025-10-29.

Conditions:
Charcot-Marie-Tooth disease type 4. Also called: Charcot-Marie-Tooth, Type 4; Charcot-Marie-Tooth disease, type IV. Identifiers: Orphanet 64749, MedGen C4082197, MONDO:0018995.
SBF2-related disorder. Also called: SBF2-related condition.

Allele frequency attached by ClinVar (database versions not stated): TOPMed 0.00005.
gnomAD v4.1: 5 of 1,601,108 alleles (0.00031%); highest among the groups gnomAD compares: Admixed American, 0.005%; no homozygotes.

Submissions (2):

Labcorp Genetics (formerly Invitae), Labcorp
Classification: Likely benign for Charcot-Marie-Tooth disease type 4. Last evaluated: 2025-10-29. Review status: criteria provided, single submitter. Criteria: Invitae Variant Classification Sherloc (09022015). Collection method: clinical testing. Allele origin: germline.

PreventionGenetics, part of Exact Sciences
Classification: Likely benign for SBF2-related condition. Last evaluated: 2020-06-11. Review status: no assertion criteria provided. Collection method: clinical testing. Allele origin: germline. Not counted in ClinVar's aggregate classification.
Comment: This variant is classified as likely benign based on ACMG/AMP sequence variant interpretation guidelines (Richards et al. 2015 PMID: 25741868, with internal and published modifications).

NM_030962.4(SBF2):c.948A>G (p.Leu316=)

Gene: SBF2 (SET binding factor 2; minus strand). Cytogenetic location: 11p15.4.
Variant type: single nucleotide variant.
Coding change: c.948A>G on transcript NM_030962.4 (MANE Select); coding-DNA position 948, A replaced by G.
Protein change: p.Leu316=; no amino-acid change (leucine 316 retained).
Molecular consequence: synonymous variant.
Genome position (GRCh38, 1-based): chr11:9,998,293, T>C on the plus strand (A>G on the coding strand, the complement: SBF2 is on the minus strand). VCF-style: chr11-9998293-T-C. GRCh37 (hg19) VCF-style: chr11-10019840-T-C.
Other names: c.948A>G, p.Leu316= (NM_001386339.1, NM_001386342.1); c.984A>G, p.Leu328= (NM_001424318.1, NM_001425069.1, NM_001425070.1).
Identifiers: ClinVar variation 3036534 (VCV003036534.4), dbSNP rs772340409, ClinGen allele CA5881962.